The following is an entry in ClinVar:

NM_001105206.3(LAMA4):c.4583G>T (p.Arg1528Leu)

Gene: LAMA4 (laminin subunit alpha 4; minus strand). Cytogenetic location: 6q21.
Variant type: single nucleotide variant.
Coding change: c.4583G>T on transcript NM_001105206.3 (MANE Select); coding-DNA position 4583, G replaced by T.
Protein change: p.Arg1528Leu; replaces arginine 1528 with leucine.
Molecular consequence: missense variant.
Genome position (GRCh38, 1-based): chr6:112,120,365, C>A on the plus strand (G>T on the coding strand, the complement: LAMA4 is on the minus strand). VCF-style: chr6-112120365-C-A. GRCh37 (hg19) VCF-style: chr6-112441568-C-A.
Other names: c.4562G>T, p.Arg1521Leu (NM_001105207.3, NM_002290.5); short protein forms R1521L, R1528L.
Identifiers: ClinVar variation 406147 (VCV000406147.15), dbSNP rs782805733, ClinGen allele CA3964955.

ClinVar aggregate classification (germline): Uncertain significance. Review status: criteria provided, multiple submitters, no conflicts (2 of 4 stars). 6 submissions from 6 submitters: Uncertain significance (6). Last evaluated 2025-06-30.

Conditions:
Cardiovascular phenotype. Identifiers: MedGen CN230736.
Dilated cardiomyopathy 1JJ (CMD1JJ). Identifiers: Orphanet 154, MedGen C3808935, MONDO:0014095, OMIM 615235.

Allele frequency attached by ClinVar (database versions not stated): gnomAD 0.00006; TOPMed 0.00007.
gnomAD v4.1: 15 of 1,613,684 alleles (0.00093%); highest among the groups gnomAD compares: African/African-American, 0.013%; no homozygotes.

Submissions (6):

Ambry Genetics
Classification: Uncertain significance for Cardiovascular phenotype. Last evaluated: 2025-06-30. Review status: criteria provided, single submitter. Criteria: Ambry Variant Classification Scheme 2023. Collection method: clinical testing. Allele origin: germline.

Labcorp Genetics (formerly Invitae), Labcorp
Classification: Uncertain significance for Dilated cardiomyopathy 1JJ. Last evaluated: 2024-07-23. Review status: criteria provided, single submitter. Criteria: Invitae Variant Classification Sherloc (09022015). Collection method: clinical testing. Allele origin: germline.
Comment: This sequence change replaces arginine, which is basic and polar, with leucine, which is neutral and non-polar, at codon 1521 of the LAMA4 protein (p.Arg1521Leu). This variant is present in population databases (rs782805733, gnomAD 0.01%). This variant has not been reported in the literature in individuals affected with LAMA4-related conditions. ClinVar contains an entry for this variant (Variation ID: 406147). An algorithm developed to predict the effect of missense changes on protein structure and function (PolyPhen-2) suggests that this variant is likely to be disruptive. In summary, the available evidence is currently insufficient to determine the role of this variant in disease. Therefore, it has been classified as a Variant of Uncertain Significance.

GeneDx
Classification: Uncertain significance. Last evaluated: 2023-11-07. Review status: criteria provided, single submitter. Criteria: GeneDx Variant Classification Process June 2021. Collection method: clinical testing. Allele origin: germline. Affected: yes.
Comment: Not observed at significant frequency in large population cohorts (gnomAD); In silico analysis supports that this missense variant has a deleterious effect on protein structure/function; Has not been previously published as pathogenic or benign to our knowledge

AiLife Diagnostics
Classification: Uncertain significance. Last evaluated: 2022-02-17. Review status: criteria provided, single submitter. Criteria: ACMG Guidelines, 2015. Collection method: clinical testing. Allele origin: germline. Affected: yes. Observed: 1 variant allele.

Fulgent Genetics
Classification: Uncertain significance for Dilated cardiomyopathy 1JJ. Last evaluated: 2021-11-10. Review status: criteria provided, single submitter. Criteria: ACMG Guidelines, 2015. Collection method: clinical testing. Allele origin: unknown.

Center for Genomics, Ann and Robert H. Lurie Children's Hospital of Chicago
Classification: Uncertain significance for Dilated cardiomyopathy 1JJ. Last evaluated: 2021-03-30. Review status: criteria provided, single submitter. Criteria: ACMG Guidelines, 2015. Collection method: clinical testing. Allele origin: germline.
Comment: LAMA4 NM_002290.4 exon 33 p.Arg1521Leu (c.4562G>A): This variant has not been reported in the literature and is present in 0.01% (3/24968) of African alleles in the Genome Aggregation Database. This variant is present in ClinVar (Variation ID:406147). Evolutionary conservation and computational predictive tools suggest that this variant may impact the protein. In summary, data on this variant is insufficient for disease classification. Therefore, the clinical significance of this variant is uncertain.